The following is an entry in ClinVar:

NM_001292063.2(OTOG):c.6436C>T (p.Leu2146=)

Gene: OTOG (otogelin; plus strand). Cytogenetic location: 11p15.1.
Variant type: single nucleotide variant.
Coding change: c.6436C>T on transcript NM_001292063.2 (MANE Select); coding-DNA position 6436, C replaced by T.
Protein change: p.Leu2146=; no amino-acid change (leucine 2146 retained).
Molecular consequence: synonymous variant.
Genome position (GRCh38, 1-based): chr11:17,612,763, C>T. VCF-style: chr11-17612763-C-T. GRCh37 (hg19) VCF-style: chr11-17634310-C-T.
Other names: c.6472C>T, p.Leu2158= (NM_001277269.2).
Identifiers: ClinVar variation 1305830 (VCV001305830.2), dbSNP rs1242394086, ClinGen allele CA473305820.
Genomic context (GRCh38, chr11:17,612,763, plus strand): 5'-CTCAGCCAGAGCCCAGATGAAATGCTCACCGTCCATGTACTGGACTGCAAAAGTGCCAAC[C>T]TGGTGCCTGCCCCATACCTCCCTCCCTGCTGGGGACTAGGAATGGGACTAGGATAAGAGG-3'
Protein context (NP_001278992.1, residues 2136-2156): VHVLDCKSAN[Leu2146=]GHLNWPPFCL

ClinVar aggregate classification (germline): Uncertain significance (1 of 4 stars; one submission).

Allele frequency attached by ClinVar (database versions not stated): TOPMed below 0.00001; gnomAD 0.00001; gnomAD exomes 0.00001.

Submission:

GeneDx
Classification: Uncertain significance. Last evaluated: 2019-05-14. Review status: criteria provided, single submitter. Criteria: GeneDx Variant Classification Process June 2021. Collection method: clinical testing. Allele origin: germline. Affected: yes.
Comment: Not observed at a significant frequency in large population cohorts (Lek et al., 2016); Has not been previously published as pathogenic or benign to our knowledge